The following is an entry in ClinVar:

NM_001291303.3(FAT4):c.2225G>A (p.Ser742Asn)

Gene: FAT4 (FAT atypical cadherin 4; plus strand). Cytogenetic location: 4q28.1.
Variant type: single nucleotide variant.
Coding change: c.2225G>A on transcript NM_001291303.3 (MANE Select); coding-DNA position 2225, G replaced by A.
Protein change: p.Ser742Asn; replaces serine 742 with asparagine.
Molecular consequence: missense variant.
Genome position (GRCh38, 1-based): chr4:125,318,636, G>A. VCF-style: chr4-125318636-G-A. GRCh37 (hg19) VCF-style: chr4-126239791-G-A.
Other names: c.2225G>A, p.Ser742Asn (NM_001291285.3, NM_024582.6); c.2225G>A (NM_024582.4); short protein forms S742N.
Identifiers: ClinVar variation 1365900 (VCV001365900.6), dbSNP rs201172737, ClinGen allele CA3072130.

ClinVar aggregate classification (germline): Uncertain significance. Review status: criteria provided, multiple submitters, no conflicts (2 of 4 stars). 2 submissions from 2 submitters: Uncertain significance (2). Last evaluated 2025-08-26.

Conditions:
Inborn genetic diseases. Identifiers: MedGen C0950123, MeSH D030342.

Allele frequency attached by ClinVar (database versions not stated): gnomAD exomes below 0.00001 and 0.00001; ExAC 0.00001; TOPMed 0.00001; gnomAD 0.00003; 1000 Genomes Project 0.00020; 1000 Genomes Project 30x 0.00031.
gnomAD v4.1: 15 of 1,614,128 alleles (0.00093%); highest among the groups gnomAD compares: Middle Eastern, 0.016%; no homozygotes.

Submissions (2):

Ambry Genetics
Classification: Uncertain significance for Inborn genetic diseases. Last evaluated: 2025-08-26. Review status: criteria provided, single submitter. Criteria: Ambry Variant Classification Scheme 2023. Collection method: clinical testing. Allele origin: germline.

Labcorp Genetics (formerly Invitae), Labcorp
Classification: Uncertain significance. Last evaluated: 2021-09-01. Review status: criteria provided, single submitter. Criteria: Invitae Variant Classification Sherloc (09022015). Collection method: clinical testing. Allele origin: germline.
Comment: This sequence change replaces serine with asparagine at codon 742 of the FAT4 protein (p.Ser742Asn). The serine residue is moderately conserved and there is a small physicochemical difference between serine and asparagine. This variant is present in population databases (rs201172737, ExAC 0.009%). This variant has not been reported in the literature in individuals affected with FAT4-related conditions. Advanced modeling of protein sequence and biophysical properties (such as structural, functional, and spatial information, amino acid conservation, physicochemical variation, residue mobility, and thermodynamic stability) performed at Invitae indicates that this missense variant is not expected to disrupt FAT4 protein function. In summary, the available evidence is currently insufficient to determine the role of this variant in disease. Therefore, it has been classified as a Variant of Uncertain Significance.